The following is an entry in ClinVar:

ClinVar aggregate classification (germline): Uncertain significance (1 of 4 stars; one submission).

Conditions:
Neuronal ceroid lipofuscinosis 7 (CLN7). Also called: MFSD8-Related Neuronal Ceroid-Lipofuscinosis. Identifiers: Orphanet 168491, Orphanet 228366, MedGen C1838571, MONDO:0012588, OMIM 610951.

Submission:

Labcorp Genetics (formerly Invitae), Labcorp
Classification: Uncertain significance for Neuronal ceroid lipofuscinosis 7. Last evaluated: 2023-04-11. Review status: criteria provided, single submitter. Criteria: Invitae Variant Classification Sherloc (09022015). Collection method: clinical testing. Allele origin: germline.
Comment: In summary, the available evidence is currently insufficient to determine the role of this variant in disease. Therefore, it has been classified as a Variant of Uncertain Significance. Algorithms developed to predict the effect of sequence changes on RNA splicing suggest that this variant may disrupt the consensus splice site. This variant has not been reported in the literature in individuals affected with MFSD8-related conditions. This variant is not present in population databases (gnomAD no frequency). This sequence change falls in intron 5 of the MFSD8 gene. It does not directly change the encoded amino acid sequence of the MFSD8 protein.

NM_001371596.2(MFSD8):c.440-7T>G

Gene: MFSD8 (major facilitator superfamily domain containing 8; minus strand). Cytogenetic location: 4q28.2.
Variant type: single nucleotide variant.
Coding change: c.440-7T>G on transcript NM_001371596.2 (MANE Select); 7 bases into the intron before coding-DNA position 440, T replaced by G.
Molecular consequence: intron variant.
Genome position (GRCh38, 1-based): chr4:127,942,165, A>C on the plus strand (T>G on the coding strand, the complement: MFSD8 is on the minus strand). VCF-style: chr4-127942165-A-C. GRCh37 (hg19) VCF-style: chr4-128863320-A-C.
Other names: c.305-7T>G (NM_001371595.1, NM_001371590.2); c.304+1587T>G (NM_001410765.1); c.440-7T>G (NM_152778.4, NM_001363520.3, NM_001371594.2 and 2 more transcripts); c.439+1587T>G (NM_001363521.3, NM_001410766.1, NM_001371593.2).
Identifiers: ClinVar variation 2855177 (VCV002855177.3), dbSNP rs2148915878, ClinGen allele CA2739270293.